The following is an entry in ClinVar:

ClinVar aggregate classification (germline): Uncertain significance. Review status: criteria provided, multiple submitters, no conflicts (2 of 4 stars). 4 submissions from 4 submitters: Uncertain significance (4). Last evaluated 2025-07-16.

Conditions:
Retinitis pigmentosa 67 (RP67). Identifiers: Orphanet 791, MedGen C3809954, MONDO:0014256, OMIM 615565.

Allele frequency attached by ClinVar (database versions not stated): gnomAD exomes 0.00001 and 0.00002; ExAC 0.00002; gnomAD 0.00011 and 0.00013; TOPMed 0.00013; ESP Exome Variant Server 0.00015.

Submissions (4):

Ambry Genetics
Classification: Uncertain significance. Last evaluated: 2025-07-16. Review status: criteria provided, single submitter. Criteria: Ambry Variant Classification Scheme 2023. Collection method: clinical testing. Allele origin: germline.

Blueprint Genetics
Classification: Uncertain significance. Last evaluated: 2024-07-01. Review status: criteria provided, single submitter. Criteria: ACMG Guidelines, 2015. Collection method: clinical testing. Allele origin: germline.

Labcorp Genetics (formerly Invitae), Labcorp
Classification: Uncertain significance. Last evaluated: 2024-04-17. Review status: criteria provided, single submitter. Criteria: Invitae Variant Classification Sherloc (09022015). Collection method: clinical testing. Allele origin: germline.
Comment: This sequence change replaces aspartic acid, which is acidic and polar, with alanine, which is neutral and non-polar, at codon 242 of the NEK2 protein (p.Asp242Ala). This variant is present in population databases (rs148642058, gnomAD 0.03%). This variant has not been reported in the literature in individuals affected with NEK2-related conditions. ClinVar contains an entry for this variant (Variation ID: 1420570). An algorithm developed to predict the effect of missense changes on protein structure and function (PolyPhen-2) suggests that this variant is likely to be tolerated. In summary, the available evidence is currently insufficient to determine the role of this variant in disease. Therefore, it has been classified as a Variant of Uncertain Significance.

Fulgent Genetics
Classification: Uncertain significance for Retinitis pigmentosa 67. Last evaluated: 2022-03-31. Review status: criteria provided, single submitter. Criteria: ACMG Guidelines, 2015. Collection method: clinical testing. Allele origin: unknown.

NM_002497.4(NEK2):c.725A>C (p.Asp242Ala)

Gene: NEK2 (NIMA related kinase 2; minus strand). Cytogenetic location: 1q32.3.
Variant type: single nucleotide variant.
Coding change: c.725A>C on transcript NM_002497.4 (MANE Select); coding-DNA position 725, A replaced by C.
Protein change: p.Asp242Ala; replaces aspartic acid 242 with alanine.
Molecular consequence: missense variant.
Genome position (GRCh38, 1-based): chr1:211,670,321, T>G on the plus strand (A>C on the coding strand, the complement: NEK2 is on the minus strand). VCF-style: chr1-211670321-T-G. GRCh37 (hg19) VCF-style: chr1-211843663-T-G.
Other names: c.725A>C, p.Asp242Ala (NM_001204182.2, NM_001204183.2); c.725A>C (NM_002497.3); short protein forms D242A.
Identifiers: ClinVar variation 1420570 (VCV001420570.10), dbSNP rs148642058, ClinGen allele CA1381611.